The following is an entry in ClinVar:

NM_001267550.2(TTN):c.57816A>G (p.Thr19272=)

Genes: TTN-AS1 (TTN antisense RNA 1; plus strand), TTN (titin; minus strand). Cytogenetic location: 2q31.2.
Variant type: single nucleotide variant.
Coding change: c.57816A>G on transcript NM_001267550.2 (MANE Select); coding-DNA position 57816, A replaced by G.
Protein change: p.Thr19272=; no amino-acid change (threonine 19272 retained).
Molecular consequence: synonymous variant.
Genome position (GRCh38, 1-based): chr2:178,595,538, T>C on the plus strand (A>G on the coding strand, the complement: TTN is on the minus strand). VCF-style: chr2-178595538-T-C. GRCh37 (hg19) VCF-style: chr2-179460265-T-C.
Other names: c.52893A>G, p.Thr17631= (NM_001256850.1); c.30621A>G, p.Thr10207= (NM_003319.4); c.50112A>G, p.Thr16704= (NM_133378.4); c.30996A>G, p.Thr10332= (NM_133432.3); c.31197A>G, p.Thr10399= (NM_133437.4).
Identifiers: ClinVar variation 512642 (VCV000512642.12), dbSNP rs928567222, ClinGen allele CA60973544.

ClinVar aggregate classification (germline): Likely benign. Review status: criteria provided, multiple submitters, no conflicts (2 of 4 stars). 3 submissions from 3 submitters: Likely benign (3). Last evaluated 2025-10-23.

Conditions:
Autosomal recessive limb-girdle muscular dystrophy type 2J (LGMDR10). Also called: MUSCULAR DYSTROPHY, LIMB-GIRDLE, AUTOSOMAL RECESSIVE 10; Limb-girdle muscular dystrophy, type 2J. Identifiers: Orphanet 140922, MedGen C1837342, MONDO:0012127, OMIM 608807.
Dilated cardiomyopathy 1G (CMD1G). Identifiers: Orphanet 154, MedGen C1858763, MONDO:0011400, OMIM 604145.
Cardiovascular phenotype. Identifiers: MedGen CN230736.

Allele frequency attached by ClinVar (database versions not stated): gnomAD 0.00001 and 0.00002; TOPMed 0.00003.

Submissions (3):

Labcorp Genetics (formerly Invitae), Labcorp
Classification: Likely benign for Dilated cardiomyopathy 1G; Autosomal recessive limb-girdle muscular dystrophy type 2J. Last evaluated: 2025-10-23. Review status: criteria provided, single submitter. Criteria: Invitae Variant Classification Sherloc (09022015). Collection method: clinical testing. Allele origin: germline.

Ambry Genetics
Classification: Likely benign for Cardiovascular phenotype. Last evaluated: 2022-01-19. Review status: criteria provided, single submitter. Criteria: Ambry Variant Classification Scheme 2023. Collection method: clinical testing. Allele origin: germline.

GeneDx
Classification: Likely benign. Last evaluated: 2017-10-05. Review status: criteria provided, single submitter. Criteria: GeneDx Variant Classification (06012015). Collection method: clinical testing. Allele origin: germline. Affected: yes.
Comment: This variant is considered likely benign or benign based on one or more of the following criteria: it is a conservative change, it occurs at a poorly conserved position in the protein, it is predicted to be benign by multiple in silico algorithms, and/or has population frequency not consistent with disease.